The following is an entry in ClinVar:

NM_014806.5(RUSC2):c.1825C>T (p.Leu609Phe)

Gene: RUSC2 (RUN and SH3 domain containing 2; plus strand). Cytogenetic location: 9p13.3.
Variant type: single nucleotide variant.
Coding change: c.1825C>T on transcript NM_014806.5 (MANE Select); coding-DNA position 1825, C replaced by T.
Protein change: p.Leu609Phe; replaces leucine 609 with phenylalanine.
Molecular consequence: missense variant. On other transcripts: intron variant (1).
Genome position (GRCh38, 1-based): chr9:35,548,346, C>T. VCF-style: chr9-35548346-C-T. GRCh37 (hg19) VCF-style: chr9-35548343-C-T.
Other names: c.1825C>T, p.Leu609Phe (NM_001135999.2); c.-620-6714C>T (NM_001330740.2); short protein forms L609F.
Identifiers: ClinVar variation 3359121 (VCV003359121.3).

ClinVar aggregate classification (germline): Uncertain significance (1 of 4 stars; one submission).

Conditions:
Intellectual developmental disorder, autosomal recessive 61. Also called: ALWADEI SYNDROME; Intellectual disability, autosomal recessive 61; MENTAL RETARDATION, AUTOSOMAL RECESSIVE 61. Identifiers: MedGen C4540424, MONDO:0030915, OMIM 617773.

gnomAD v4.1: 4 of 1,614,110 alleles (0.00025%); highest among the groups gnomAD compares: South Asian, 0.0011%; no homozygotes.

Submission:

Institute of Human Genetics, University of Leipzig Medical Center
Classification: Uncertain significance for Intellectual developmental disorder, autosomal recessive 61. Last evaluated: 2026-02-11. Review status: criteria provided, single submitter. Criteria: ACMG Guidelines, 2015. Collection method: clinical testing. Allele origin: maternal. Inheritance: Autosomal recessive inheritance. Affected: yes.
Comment: Criteria applied: PM2_SUP, BP4